The following is an entry in ClinVar:

NM_001829.4(CLCN3):c.971T>C (p.Val324Ala)

Gene: CLCN3 (Cl-/H+ antiporter 3; plus strand). Cytogenetic location: 4q33.
Variant type: single nucleotide variant.
Coding change: c.971T>C on transcript NM_001829.4 (MANE Select); coding-DNA position 971, T replaced by C.
Protein change: p.Val324Ala; replaces valine 324 with alanine.
Molecular consequence: missense variant. On other transcripts: intron variant (1).
Genome position (GRCh38, 1-based): chr4:169,695,646, T>C. VCF-style: chr4-169695646-T-C. GRCh37 (hg19) VCF-style: chr4-170616797-T-C.
Other names: c.890T>C, p.Val297Ala (NM_001243374.2); c.971T>C, p.Val324Ala (NM_173872.4); c.937-1543T>C (NM_001243372.2); short protein forms V297A, V324A.
Identifiers: ClinVar variation 1192288 (VCV001192288.3), dbSNP rs2150254146, ClinGen allele CA358738925.
Genomic context (GRCh38, chr4:169,695,646, plus strand): 5'-TGAAATAAGCCATATCCTCTTTCTAGGTGCTATCAGCTGCCTCAGCTGCAGGGGTTTCTG[T>C]AGCTTTTGGTGCACCAATTGGAGGAGTTCTTTTTAGCCTGGAAGAGGTAGGTGAAAAGAA-3'
Protein context (NP_001820.2, residues 314-334): LSAASAAGVS[Val324Ala]AFGAPIGGVL

ClinVar aggregate classification (germline): Likely pathogenic. Review status: criteria provided, multiple submitters, no conflicts (2 of 4 stars). 3 submissions from 3 submitters: Likely pathogenic (2). 1 of the submissions does not count toward it. Last evaluated 2026-01-21.

Conditions:
Neurodevelopmental disorder with hypotonia and brain abnormalities. Identifiers: MedGen C5561977, MONDO:0859187, OMIM 619512.
Neurodevelopmental delay. Identifiers: MedGen C4022738, HP:0012758.

Submissions (3):

3billion
Classification: Likely pathogenic for Neurodevelopmental disorder with hypotonia and brain abnormalities. Last evaluated: 2026-01-21. Review status: criteria provided, single submitter. Criteria: ACMG Guidelines, 2015. Collection method: clinical testing. Allele origin: germline. Affected: yes.
Comment: The variant is not observed in the gnomAD v4.1.0 dataset. Predicted Consequence/Location: Missense variant. Missense changes are a common disease-causing mechanism. In silico tool predictions suggest damaging effect of the variant on gene or gene product [REVEL: 0.86 (>=0.6, sensitivity 0.68 and specificity 0.92); 3Cnet: 0.96 (> 0.75, sensitivity 0.96 and precision 0.92)]. The same nucleotide change resulting in the same amino acid change has been previously reported to be associated with CLCN3-related disorder (ClinVar ID: VCV001192288 /PMID: 34186028). The variant has been previously reported as de novo in a similarly affected individual (PMID: 34186028). Therefore, this variant is classified as Likely pathogenic according to the recommendation of ACMG/AMP guideline.

SIB Swiss Institute of Bioinformatics
Classification: Likely pathogenic for Neurodevelopmental disorder with hypotonia and brain abnormalities. Last evaluated: 2022-03-15. Review status: criteria provided, single submitter. Criteria: ACMG Guidelines, 2015. Collection method: curation. Allele origin: unknown.
Comment: This variant is interpreted as likely pathogenic for Neurodevelopmental disorder with hypotonia and brain abnormalities, autosomal dominant. The following ACMG Tag(s) were applied: Absent from controls (or at extremely low frequency if recessive) in Exome Sequencing Project, 1000 Genomes Project, or Exome Aggregation Consortium (PM2); De novo, paternity and maternity confirmed (PS2 downgraded to moderate); Multiple lines of computational evidence support a deleterious effect on the gene or gene product (PP3); Missense variant in a gene that has a low rate of benign missense variation (PP2).

Gene Discovery Core-Manton Center, Boston Children's Hospital
Classification: Pathogenic for Neurodevelopmental delay. Review status: no assertion criteria provided. Collection method: research. Allele origin: de novo. Affected: yes. Observed: 1 variant allele. Not counted in ClinVar's aggregate classification.

Literature cited by the submitters: PubMed 34186028 (cited by 3billion and SIB Swiss Institute of Bioinformatics).